The following is an entry in ClinVar:

NM_000426.4(LAMA2):c.7339G>T (p.Glu2447Ter)

Gene: LAMA2 (laminin subunit alpha 2; plus strand). Cytogenetic location: 6q22.33.
Variant type: single nucleotide variant.
Coding change: c.7339G>T on transcript NM_000426.4 (MANE Select); coding-DNA position 7339, G replaced by T.
Protein change: p.Glu2447Ter; replaces glutamic acid 2447 with a stop codon.
Molecular consequence: nonsense.
Genome position (GRCh38, 1-based): chr6:129,473,252, G>T. VCF-style: chr6-129473252-G-T. GRCh37 (hg19) VCF-style: chr6-129794397-G-T.
Other names: c.7339G>T, p.Glu2447Ter (NM_001079823.2); short protein forms E2447*.
Identifiers: ClinVar variation 983648 (VCV000983648.4), dbSNP rs1377818460, ClinGen allele CA365624213.

ClinVar aggregate classification (germline): Likely pathogenic (1 of 4 stars; one submission).

Conditions:
LAMA2-related muscular dystrophy (LAMA2-RD). Also called: Laminin alpha 2-related dystrophy. Identifiers: MedGen C5679788, MONDO:0100228.

Allele frequency attached by ClinVar (database versions not stated): gnomAD exomes below 0.00001.
gnomAD v4.1: 1 of 1,605,508 alleles (0.000062%); highest among the groups gnomAD compares: Non-Finnish European, 0.000085%; no homozygotes.

Submission:

Myriad Genetics, Inc.
Classification: Likely pathogenic for LAMA2-related muscular dystrophy. Last evaluated: 2019-03-03. Review status: criteria provided, single submitter. Criteria: Myriad Autosomal Dominant, Autosomal Recessive and X-Linked Classification Criteria (2023). Collection method: clinical testing. Allele origin: unknown.
Comment: NM_000426.3(LAMA2):c.7339G>T(E2447*) is expected to be pathogenic in the context of LAMA2-related muscular dystrophy. This variant is predicted to lead to an abnormal or absent protein product due to the creation of a premature termination codon in LAMA2, a gene where loss-of-function variants are known to be pathogenic. Please note: this variant was assessed in the context of healthy population screening.